The following is an entry in ClinVar:

ClinVar aggregate classification (germline): Pathogenic/Likely pathogenic. Review status: criteria provided, multiple submitters, no conflicts (2 of 4 stars). 2 submissions from 2 submitters: Pathogenic (1); Likely pathogenic (1). Last evaluated 2025-10-21.

Conditions:
Autosomal dominant TRIO-related disorders.

Submissions (2):

GeneDx
Classification: Pathogenic. Last evaluated: 2025-10-21. Review status: criteria provided, single submitter. Criteria: GeneDx Variant Classification Process June 2021. Collection method: clinical testing. Allele origin: germline. Affected: yes.
Comment: Nonsense variant predicted to result in protein truncation or nonsense mediated decay in a gene for which loss of function is a known mechanism of disease; Not observed at significant frequency in large population cohorts (gnomAD); Has not been previously published as pathogenic or benign to our knowledge

Variantyx, Inc.
Classification: Likely pathogenic for Autosomal dominant TRIO-related disorders. Last evaluated: 2025-03-14. Review status: criteria provided, single submitter. Criteria: Variantyx Assertion Criteria 2022. Collection method: clinical testing. Allele origin: germline. Inheritance: Autosomal dominant inheritance. Affected: yes.
Comment: This is a nonsense variant in the TRIO gene (OMIM: 601893). Pathogenic variants in this gene have been associated with autosomal dominant TRIO-related neurodevelopmental disorder. This variant introduces a premature termination codon in exon 30 out of 57 and is expected to result in loss of function, which is a known disease mechanism for TRIO in this disorder (PMID: 32109419) (PVS1). This variant is absent from control populations (PM2) and has not been reported in individuals with TRIO-related disorders in the databases available for review. Based on the current evidence, this variant is classified as likely pathogenic for autosomal dominant TRIO-related neurodevelopmental disorder.

Literature cited by the submitters: PubMed 32109419 (cited by Variantyx, Inc.).

NM_007118.4(TRIO):c.4513C>T (p.Arg1505Ter)

Gene: TRIO (trio Rho guanine nucleotide exchange factor; plus strand). Cytogenetic location: 5p15.2.
Variant type: single nucleotide variant.
Coding change: c.4513C>T on transcript NM_007118.4 (MANE Select); coding-DNA position 4513, C replaced by T.
Protein change: p.Arg1505Ter; replaces arginine 1505 with a stop codon.
Molecular consequence: nonsense. On other transcripts: non-coding transcript variant (1).
Genome position (GRCh38, 1-based): chr5:14,398,969, C>T. VCF-style: chr5-14398969-C-T. GRCh37 (hg19) VCF-style: chr5-14399078-C-T.
Other names: short protein forms R1505*.
Identifiers: ClinVar variation 2442428 (VCV002442428.4), dbSNP rs2532963831, ClinGen allele CA359234710.